The following is an entry in ClinVar:

NM_178170.3(NEK8):c.568G>A (p.Gly190Ser)

Gene: NEK8 (NIMA related kinase 8; plus strand). Cytogenetic location: 17q11.2.
Variant type: single nucleotide variant.
Coding change: c.568G>A on transcript NM_178170.3 (MANE Select); coding-DNA position 568, G replaced by A.
Protein change: p.Gly190Ser; replaces glycine 190 with serine.
Molecular consequence: missense variant.
Genome position (GRCh38, 1-based): chr17:28,735,321, G>A. VCF-style: chr17-28735321-G-A. GRCh37 (hg19) VCF-style: chr17-27062339-G-A.
Other names: short protein forms G190S.
Identifiers: ClinVar variation 3390485 (VCV003390485.1).

ClinVar aggregate classification (germline): Uncertain significance (1 of 4 stars; one submission).

Submission:

GeneDx
Classification: Uncertain significance. Last evaluated: 2024-06-12. Review status: criteria provided, single submitter. Criteria: GeneDx Variant Classification Process June 2021. Collection method: clinical testing. Allele origin: germline. Affected: yes.
Comment: Not observed at significant frequency in large population cohorts (gnomAD); In silico analysis supports that this missense variant has a deleterious effect on protein structure/function; Has not been previously published as pathogenic or benign to our knowledge